The following is an entry in ClinVar:

ClinVar aggregate classification (germline): Uncertain significance (1 of 4 stars; one submission).

Conditions:
Camptomelic dysplasia (CMPD). Also called: CMPD1/SRA1; Campomelic Dysplasia. Identifiers: Orphanet 140, MedGen C1861922, MONDO:0007251, OMIM 114290.

Allele frequency attached by ClinVar (database versions not stated): gnomAD exomes below 0.00001.

Submission:

Labcorp Genetics (formerly Invitae), Labcorp
Classification: Uncertain significance for Camptomelic dysplasia. Last evaluated: 2023-12-10. Review status: criteria provided, single submitter. Criteria: Invitae Variant Classification Sherloc (09022015). Collection method: clinical testing. Allele origin: germline.
Comment: This sequence change replaces proline, which is neutral and non-polar, with leucine, which is neutral and non-polar, at codon 247 of the SOX9 protein (p.Pro247Leu). This variant is present in population databases (no rsID available, gnomAD 0.0009%). This variant has not been reported in the literature in individuals affected with SOX9-related conditions. Advanced modeling of protein sequence and biophysical properties (such as structural, functional, and spatial information, amino acid conservation, physicochemical variation, residue mobility, and thermodynamic stability) performed at Invitae indicates that this missense variant is not expected to disrupt SOX9 protein function with a negative predictive value of 80%. In summary, the available evidence is currently insufficient to determine the role of this variant in disease. Therefore, it has been classified as a Variant of Uncertain Significance.

NM_000346.4(SOX9):c.740C>T (p.Pro247Leu)

Gene: SOX9 (SRY-box transcription factor 9; plus strand). Cytogenetic location: 17q24.3.
Variant type: single nucleotide variant.
Coding change: c.740C>T on transcript NM_000346.4 (MANE Select); coding-DNA position 740, C replaced by T.
Protein change: p.Pro247Leu; replaces proline 247 with leucine.
Molecular consequence: missense variant.
Genome position (GRCh38, 1-based): chr17:72,123,597, C>T. VCF-style: chr17-72123597-C-T. GRCh37 (hg19) VCF-style: chr17-70119738-C-T.
Other names: short protein forms P247L.
Identifiers: ClinVar variation 2959400 (VCV002959400.3), dbSNP rs1460431767, ClinGen allele CA400866949.